The following is an entry in ClinVar:

NM_002485.5(NBN):c.456G>A (p.Met152Ile)

Gene: NBN (nibrin; minus strand). Cytogenetic location: 8q21.3.
Variant type: single nucleotide variant.
Coding change: c.456G>A on transcript NM_002485.5 (MANE Select); coding-DNA position 456, G replaced by A.
Protein change: p.Met152Ile; replaces methionine 152 with isoleucine.
Molecular consequence: missense variant.
Genome position (GRCh38, 1-based): chr8:89,980,758, C>T on the plus strand (G>A on the coding strand, the complement: NBN is on the minus strand). VCF-style: chr8-89980758-C-T. GRCh37 (hg19) VCF-style: chr8-90992986-C-T.
Other names: p.M152I:ATG>ATA; c.210G>A, p.Met70Ile (NM_001024688.3); short protein forms M152I, M70I.
Identifiers: ClinVar variation 127872 (VCV000127872.60), dbSNP rs201816949, ClinGen allele CA287934.
Genomic context (GRCh38, chr8:89,980,758, plus strand): 5'-CTTATTTTTAACATAAGAACAAGACATTCAACCTACTTTAATGGTAACTTTCACTGATAC[C>T]ATGACAAGGTGAGTGCATTCTTCTGTCCAATTGTTTACAGTAAATCCTCCAAGTTGCAAT-3'
Protein context (NP_002476.2, residues 142-162): NWTEECTHLV[Met152Ile]VSVKVTIKTI

ClinVar aggregate classification (germline): Conflicting classifications of pathogenicity. Review status: criteria provided, conflicting classifications (1 of 4 stars). 19 submissions from 18 submitters: Uncertain significance (13); Likely benign (3). 3 of the submissions do not count toward it. Last evaluated 2026-01-27.

Conditions:
NBN-related disorder. Also called: NBN-related condition.
Hereditary cancer-predisposing syndrome. Also called: Neoplastic Syndromes, Hereditary; Tumor predisposition; Hereditary Cancer Syndrome; Hereditary neoplastic syndrome. Identifiers: Orphanet 140162, MedGen C0027672, MeSH D009386, MONDO:0015356.
Aplastic anemia. Identifiers: Orphanet 182040, Orphanet 88, MedGen C0002874, MONDO:0015909, OMIM 609135, HP:0001915.
Microcephaly, normal intelligence and immunodeficiency (NBS). Also called: SEEMANOVA SYNDROME II; Microcephaly with normal intelligence immunodeficiency and lymphoreticular malignancies; Nonsyndromal microcephaly autosomal recessive with normal intelligence; Seemanova syndrome 2; IMMUNODEFICIENCY, MICROCEPHALY, AND CHROMOSOMAL INSTABILITY; Immunodeficiency, microcephaly with normal intelligence. Identifiers: Orphanet 647, MedGen C0398791, MONDO:0009623, OMIM 251260.
Acute lymphoid leukemia (ALL). Also called: Lymphoblastic leukemia; Acute lymphoblastic leukemia; Acute lymphocytic leukemia; Leukemia, acute lymphoblastic, somatic. Identifiers: Orphanet 513, MedGen C0023449, MONDO:0004967, OMIM 613065, HP:0006721.
Malignant tumor of breast. Also called: Cancer breast; Malignant breast neoplasm. Identifiers: MedGen C0006142, MONDO:0007254. Disease mechanism: loss of function.

Allele frequency attached by ClinVar (database versions not stated): ESP Exome Variant Server 0.00008; ExAC 0.00012; gnomAD exomes 0.00012 and 0.00024; gnomAD 0.00014 and 0.00015; 1000 Genomes Project 30x 0.00016; TOPMed 0.00016; 1000 Genomes Project 0.00020.

Submissions 1 to 10 of 19:

Labcorp Genetics (formerly Invitae), Labcorp
Classification: Likely benign for Microcephaly, normal intelligence and immunodeficiency. Last evaluated: 2026-01-27. Review status: criteria provided, single submitter. Criteria: Invitae Variant Classification Sherloc (09022015). Collection method: clinical testing. Allele origin: germline.

GeneDx
Classification: Uncertain significance. Last evaluated: 2025-08-20. Review status: criteria provided, single submitter. Criteria: GeneDx Variant Classification Process June 2021. Collection method: clinical testing. Allele origin: germline. Affected: yes.
Comment: Observed in individuals with a personal or family history including breast, ovarian, colorectal, and other cancers (PMID: 23555315, 25980754, 26315354, 27978560, 28135145, 28528518, 31911633, 32885271, 34326862, 37503171); In silico analysis supports that this missense variant has a deleterious effect on protein structure/function; This variant is associated with the following publications: (PMID: 25980754, 26787654, 26315354, 23555315, 27978560, 28528518, 28135145, 30306255, 31874108, 33095795, 24894818, 37503171, 34964003, 34326862, 31911633, 32885271, 36346689, 32832836, 40312597, 38446568)

Laboratorio de I+D, Fundación Centro Médico de Asturias
Classification: Uncertain significance for Hereditary cancer-predisposing syndrome. Last evaluated: 2025-07-13. Review status: criteria provided, single submitter. Criteria: ACMG Guidelines, 2015. Collection method: clinical testing. Allele origin: germline.
Comment: PM5+PM2_Supporting+PP3

Quest Diagnostics Nichols Institute San Juan Capistrano
Classification: Uncertain significance. Last evaluated: 2025-07-07. Review status: criteria provided, single submitter. Criteria: Quest Diagnostics criteria. Collection method: clinical testing. Allele origin: unknown.
Comment: The NBN c.456G>A (p.Met152Ile) variant has been reported in individuals affected with breast and/or ovarian cancer (PMID: 34326862 (2021), 33471991 (2021), see also LOVD, 32885271 (2021), 30306255 (2018), 28528518 (2017), 26315354 (2015), 24894818 (2014), 23555315 (2013)), colorectal cancer (PMID: 27978560 (2016)), soft tissue sarcoma (PMID: 30541756 (2019)), and a myeloid malignancy (PMID: 31911633 (2020)). This variant has also been identified in reportedly unaffected individuals (PMID: 33471991 (2021), see also LOVD), as well as children with B-cell acute lymphoblastic leukemia (PMID: 38446568 (2024)). The frequency of this variant in the general population (Genome Aggregation Database) is uninformative in the assessment of its pathogenicity. Analysis of this variant using bioinformatics tools for the prediction of the effect of amino acid changes on protein structure and function yielded conflicting predictions that this variant is benign or damaging. Based on the available information, we are unable to determine the clinical significance of this variant.

St. Jude Molecular Pathology, St. Jude Children's Research Hospital
Classification: Uncertain significance for Microcephaly, normal intelligence and immunodeficiency. Last evaluated: 2025-06-17. Review status: criteria provided, single submitter. Criteria: St. Jude Assertion Criteria 2020. Collection method: clinical testing. Allele origin: germline.
Comment: The NBN c.456G>A p.(Met152Ile) missense change has a maximum subpopulation frequency of 0.019% in gnomAD v2.1.1. The in silico tool REVEL is inconclusive about a pathogenic or benign effect of this variant on protein function, and to our knowledge functional studies have not been performed. This variant has been reported in individuals with breast cancer, ovarian cancer, prostate cancer, colorectal cancer, and suspected Lynch syndrome (PMID: 25980754, 26315354, 27978560, 28135145, 28528518, 30306255, 32832836, 32885271), as well as in women older than 70 years of age who have never had cancer. To our knowledge, this variant has not been reported in individuals with Nijmegen breakage syndrome. In summary, the evidence currently available is insufficient to determine the clinical significance of this variant. It has therefore been classified as of uncertain significance.

Women's Health and Genetics/Laboratory Corporation of America, LabCorp
Classification: Likely benign. Last evaluated: 2025-03-24. Review status: criteria provided, single submitter. Criteria: LabCorp Variant Classification Summary - May 2015. Collection method: clinical testing. Allele origin: germline.
Comment: Variant summary: NBN c.456G>A (p.Met152Ile) results in a conservative amino acid change located in the BRCT domain of the encoded protein sequence. Four of five in-silico tools predict a damaging effect of the variant on protein function. The variant allele was found at a frequency of 0.00012 in 251220 control chromosomes, predominantly at a frequency of 0.00019 within the Non-Finnish European subpopulation in the gnomAD database. The observed variant frequency within Non-Finnish European control individuals in the gnomAD database is approximately 1.5 fold of the estimated maximal expected allele frequency for a pathogenic variant in NBN causing Hereditary Breast And Ovarian Cancer Syndrome phenotype (0.00013). In addition, one database reported this variant was found in seven women older than age 70 years who have never had cancer (FLOSSIES database). c.456G>A has been reported in the literature in individuals affected with breast and ovarian cancer, primary ovarian insufficiency, colon cancer and/or polyps, or prostate cancer (Ramus_2015, Yurgelun_2015, Pearlman_2016, Cock-Rada_2017, Bonache_2018, Franca_2020, Mateo_2020). These report(s) do not provide unequivocal conclusions about association of the variant with Hereditary Breast And Ovarian Cancer Syndrome. At least one publication reports experimental evidence evaluating an impact on protein function (Escherich_2024). These results showed no damaging effect of this variant. The following publications have been ascertained in the context of this evaluation (PMID: 36346689, 30306255, 28528518, 38446568, 33095795, 31874108, 27978560, 26315354, 25980754). ClinVar contains an entry for this variant (Variation ID: 127872). Based on the evidence outlined above, the variant was classified as likely benign.

PreventionGenetics, part of Exact Sciences
Classification: Uncertain significance for NBN-related condition. Last evaluated: 2025-02-06. Review status: criteria provided, single submitter. Criteria: ACMG Guidelines, 2015. Collection method: clinical testing. Allele origin: germline.
Comment: The NBN c.456G>A variant is predicted to result in the amino acid substitution p.Met152Ile. This variant was identified in individuals with breast and/or ovarian cancer (Table S4, Ramus et al. 2015. PubMed ID: 26315354; Cock-Rada et al. 2018. PubMed ID: 28528518; Table S8, Bonache et al. 2018. PubMed ID: 30306255), in an individual undergoing testing for Lynch syndrome (Table S2, Yurgelun et al. 2015. PubMed ID: 25980754), in an individual with primary ovarian insufficiency (Franca et al. 2020. PubMed ID: 33095795), and in a prostate tumor biopsy (Table S1, Mateo et al. 2020. PubMed ID: 31874108). Additionally, this variant was identified in an individual with colon cancer whose tumor was proficient for mismatch repair activity (Pearlman et al. 2017. PubMed ID: 27978560). This variant is reported in 0.02% of alleles in individuals of European (Non-Finnish) descent in gnomAD, and has conflicting interpretations regarding its pathogenicity in ClinVar, ranging from likely benign to uncertain. At this time, the clinical significance of this variant is uncertain due to the absence of conclusive functional and genetic evidence.

Baylor Genetics
Classification: Uncertain significance for Aplastic anemia. Last evaluated: 2024-03-11. Review status: criteria provided, single submitter. Criteria: ACMG Guidelines, 2015. Collection method: clinical testing. Allele origin: unknown.

Genome-Nilou Lab
Classification: Uncertain significance for Microcephaly, normal intelligence and immunodeficiency. Last evaluated: 2021-11-07. Review status: criteria provided, single submitter. Criteria: ACMG Guidelines, 2015. Collection method: clinical testing. Allele origin: germline. Affected: no.

Revvity Omics, Revvity
Classification: Uncertain significance. Last evaluated: 2021-08-31. Review status: criteria provided, single submitter. Criteria: ACMG Guidelines, 2015. Collection method: clinical testing. Allele origin: germline.